The following is an entry in ClinVar:

ClinVar aggregate classification (germline): Uncertain significance (1 of 4 stars; one submission).

Conditions:
Hereditary cancer-predisposing syndrome. Also called: Neoplastic Syndromes, Hereditary; Tumor predisposition; Hereditary Cancer Syndrome; Hereditary neoplastic syndrome. Identifiers: Orphanet 140162, MedGen C0027672, MeSH D009386, MONDO:0015356.
Cardiovascular phenotype. Identifiers: MedGen CN230736.

Submission:

Ambry Genetics
Classification: Uncertain significance for Cardiovascular phenotype; Hereditary cancer-predisposing syndrome. Last evaluated: 2021-12-02. Review status: criteria provided, single submitter. Criteria: Ambry Variant Classification Scheme 2023. Collection method: clinical testing. Allele origin: germline.
Comment: The p.G1168V variant (also known as c.3503G>T), located in coding exon 27 of the NF1 gene, results from a G to T substitution at nucleotide position 3503. The glycine at codon 1168 is replaced by valine, an amino acid with dissimilar properties. This amino acid position is highly conserved in available vertebrate species. In addition, this alteration is predicted to be deleterious by in silico analysis. Since supporting evidence is limited at this time, the clinical significance of this alteration remains unclear.

NM_001042492.3(NF1):c.3503G>T (p.Gly1168Val)

Gene: NF1 (neurofibromin 1; plus strand). Cytogenetic location: 17q11.2.
Variant type: single nucleotide variant.
Coding change: c.3503G>T on transcript NM_001042492.3 (MANE Select); coding-DNA position 3503, G replaced by T.
Protein change: p.Gly1168Val; replaces glycine 1168 with valine.
Molecular consequence: missense variant.
Genome position (GRCh38, 1-based): chr17:31,233,008, G>T. VCF-style: chr17-31233008-G-T. GRCh37 (hg19) VCF-style: chr17-29560026-G-T.
Other names: c.3503G>T, p.Gly1168Val (NM_000267.4); short protein forms G1168V.
Identifiers: ClinVar variation 1732090 (VCV001732090.2), dbSNP rs2151435263, ClinGen allele CA398989639.
Genomic context (GRCh38, chr17:31,233,008, plus strand): 5'-AAATTACTTCAGCAAGGCCATGTTAGTAAATTTGCATCTGTTTGTCCACATTAGGCTTAG[G>T]TTACCACAAGGATCTCCAGACAAGAGCTACATTTATGGAAGTTCTGACAAAAATCCTTCA-3'
Protein context (NP_001035957.1, residues 1158-1178): DSGLMHSIGL[Gly1168Val]YHKDLQTRAT